The following is an entry in ClinVar:

NM_004519.4(KCNQ3):c.1884+3A>G

Gene: KCNQ3 (potassium voltage-gated channel subfamily Q member 3; minus strand). Cytogenetic location: 8q24.22.
Variant type: single nucleotide variant.
Coding change: c.1884+3A>G on transcript NM_004519.4 (MANE Select); 3 bases into the intron after coding-DNA position 1884, A replaced by G.
Molecular consequence: intron variant.
Genome position (GRCh38, 1-based): chr8:132,132,177, T>C on the plus strand (A>G on the coding strand, the complement: KCNQ3 is on the minus strand). VCF-style: chr8-132132177-T-C. GRCh37 (hg19) VCF-style: chr8-133144424-T-C.
Other names: c.1524+3A>G (NM_001204824.2).
Identifiers: ClinVar variation 2259938 (VCV002259938.2), dbSNP rs1824906556, ClinGen allele CA1820652906.

ClinVar aggregate classification (germline): Uncertain significance (1 of 4 stars; one submission).

Conditions:
Inborn genetic diseases. Identifiers: MedGen C0950123, MeSH D030342.

Allele frequency attached by ClinVar (database versions not stated): TOPMed 0.00001.

Submission:

Ambry Genetics
Classification: Uncertain significance for Inborn genetic diseases. Last evaluated: 2021-12-15. Review status: criteria provided, single submitter. Criteria: Ambry Variant Classification Scheme 2023. Collection method: clinical testing. Allele origin: germline.
Comment: The c.1884+3A>G intronic alteration consists of a A to G substitution nucleotides after coding exon 14 in the KCNQ3 gene. Based on insufficient or conflicting evidence, the clinical significance of this alteration remains unclear.